The following is an entry in ClinVar:

NM_007078.3(LDB3):c.732C>T (p.Pro244=)

Gene: LDB3 (LIM domain binding 3; plus strand). Cytogenetic location: 10q23.2.
Variant type: single nucleotide variant.
Coding change: c.732C>T on transcript NM_007078.3 (MANE Select); coding-DNA position 732, C replaced by T.
Protein change: p.Pro244=; no amino-acid change (proline 244 retained).
Molecular consequence: synonymous variant.
Genome position (GRCh38, 1-based): chr10:86,691,938, C>T. VCF-style: chr10-86691938-C-T. GRCh37 (hg19) VCF-style: chr10-88451695-C-T.
Other names: c.591C>T, p.Pro197= (NM_001080116.1, NM_001080114.2, NM_001368066.1 and 2 more transcripts); c.732C>T, p.Pro244= (NM_001080115.2, NM_001368063.1, NM_001368064.1 and 1 more transcripts); c.936C>T, p.Pro312= (NM_001171610.2, NM_001171611.2); c.591C>T (NM_001080114.1).
Identifiers: ClinVar variation 45554 (VCV000045554.46), dbSNP rs144509718, ClinGen allele CA136626.

ClinVar aggregate classification (germline): Benign/Likely benign. Review status: criteria provided, multiple submitters, no conflicts (2 of 4 stars). 8 submissions from 8 submitters: Benign (2); Likely benign (5). 1 of the submissions does not count toward it. Last evaluated 2026-01-17.

Conditions:
LDB3-related disorder. Also called: LDB3-related condition.
Cardiovascular phenotype. Identifiers: MedGen CN230736.
Myofibrillar myopathy 4. Also called: Zaspopathy (type). Identifiers: Orphanet 98912, MedGen C4721886, MONDO:0012277, OMIM 609452.

Allele frequency attached by ClinVar (database versions not stated): gnomAD exomes 0.00011; ExAC 0.00012; gnomAD 0.00031 and 0.00034; TOPMed 0.00034; ESP Exome Variant Server 0.00069.
gnomAD v4.1: 117 of 1,614,040 alleles (0.0072%); highest among the groups gnomAD compares: African/African-American, 0.091%; no homozygotes.

Submissions (8):

Labcorp Genetics (formerly Invitae), Labcorp
Classification: Benign for Myofibrillar myopathy 4. Last evaluated: 2026-01-17. Review status: criteria provided, single submitter. Criteria: Invitae Variant Classification Sherloc (09022015). Collection method: clinical testing. Allele origin: germline.

CeGaT Center for Human Genetics Tuebingen
Classification: Likely benign. Last evaluated: 2025-05-01. Review status: criteria provided, single submitter. Criteria: CeGaT Center For Human Genetics Tuebingen Variant Classification Criteria Version 2. Collection method: clinical testing. Allele origin: germline. Affected: yes. Observed: 1 variant allele.
Comment: LDB3: BP4, BP7

Women's Health and Genetics/Laboratory Corporation of America, LabCorp
Classification: Benign. Last evaluated: 2024-10-20. Review status: criteria provided, single submitter. Criteria: LabCorp Variant Classification Summary - May 2015. Collection method: clinical testing. Allele origin: germline.

Blueprint Genetics
Classification: Likely benign. Last evaluated: 2024-07-11. Review status: criteria provided, single submitter. Criteria: ACMG Guidelines, 2015. Collection method: clinical testing. Allele origin: germline.

GeneDx
Classification: Likely benign. Last evaluated: 2020-10-13. Review status: criteria provided, single submitter. Criteria: GeneDx Variant Classification Process June 2021. Collection method: clinical testing. Allele origin: germline. Affected: yes.

Ambry Genetics
Classification: Likely benign for Cardiovascular phenotype. Last evaluated: 2015-10-23. Review status: criteria provided, single submitter. Criteria: Ambry Variant Classification Scheme 2023. Collection method: clinical testing. Allele origin: germline.

Laboratory for Molecular Medicine, Mass General Brigham Personalized Medicine
Classification: Likely benign. Last evaluated: 2012-04-12. Review status: criteria provided, single submitter. Criteria: LMM Criteria. Collection method: clinical testing. Allele origin: germline. Observed: 2 variant alleles.
Comment: Pro244Pro in Exon 07 of LDB3: This variant is not expected to have clinical sign ificance because it does not alter an amino acid residue and is not located with in the splice consensus sequence. It has been identified in 0.1% (5/3738) of Afr ican American chromosomes from a broad population by the NHLBI Exome Sequencing Project (dbSNP rs144509718). Pro244Pro in Exo n 07 of LDB3 (rs144509718; allele frequency = 0.1%, 5/3738) **

PreventionGenetics, part of Exact Sciences
Classification: Likely benign for LDB3-related condition. Last evaluated: 2020-12-08. Review status: no assertion criteria provided. Collection method: clinical testing. Allele origin: germline. Not counted in ClinVar's aggregate classification.
Comment: This variant is classified as likely benign based on ACMG/AMP sequence variant interpretation guidelines (Richards et al. 2015 PMID: 25741868, with internal and published modifications).